The following is an entry in ClinVar:

NM_080916.3(DGUOK):c.592-26A>G

Gene: DGUOK (deoxyguanosine kinase; plus strand). Cytogenetic location: 2p13.1.
Variant type: single nucleotide variant.
Coding change: c.592-26A>G on transcript NM_080916.3 (MANE Select); 26 bases into the intron before coding-DNA position 592, A replaced by G.
Molecular consequence: intron variant.
Genome position (GRCh38, 1-based): chr2:73,957,099, A>G. VCF-style: chr2-73957099-A-G. GRCh37 (hg19) VCF-style: chr2-74184226-A-G.
Other names: c.301-26A>G (NM_001318861.2, NM_001318860.2); c.283-26A>G (NM_001318862.2, NM_001318863.2); c.444-1047A>G (NM_080918.3); c.426-1047A>G (NM_001318859.2).
Identifiers: ClinVar variation 2651033 (VCV002651033.24), dbSNP rs2467083474, ClinGen allele CA2577006624.

ClinVar aggregate classification (germline): Likely pathogenic (1 of 4 stars; one submission).

Allele frequency attached by ClinVar (database versions not stated): gnomAD exomes 0.00001.
gnomAD v4.1: 4 of 1,570,504 alleles (0.00025%); highest among the groups gnomAD compares: Non-Finnish European, 0.00026%; no homozygotes.

Submission:

CeGaT Center for Human Genetics Tuebingen
Classification: Likely pathogenic. Last evaluated: 2025-03-01. Review status: criteria provided, single submitter. Criteria: CeGaT Center For Human Genetics Tuebingen Variant Classification Criteria Version 2. Collection method: clinical testing. Allele origin: germline. Affected: yes. Observed: 1 variant allele.
Comment: DGUOK: PVS1:Strong, PM2, PM3